The following is an entry in ClinVar:

ClinVar aggregate classification (germline): Uncertain significance. Review status: criteria provided, multiple submitters, no conflicts (2 of 4 stars). 3 submissions from 3 submitters: Uncertain significance (3). Last evaluated 2025-11-26.

Conditions:
Inborn genetic diseases. Identifiers: MedGen C0950123, MeSH D030342.
Microcephaly 2, primary, autosomal recessive, with or without cortical malformations. Also called: MICROCEPHALY 2, PRIMARY, AUTOSOMAL RECESSIVE, WITH CORTICAL MALFORMATIONS; WDR62 Primary Microcephaly. Identifiers: Orphanet 2512, MedGen C1858535, MONDO:0011435, OMIM 604317.

Allele frequency attached by ClinVar (database versions not stated): TOPMed 0.00002; gnomAD 0.00003; ExAC 0.00004; gnomAD exomes 0.00005.
gnomAD v4.1: 118 of 1,613,890 alleles (0.0073%); highest among the groups gnomAD compares: Non-Finnish European, 0.0097%; no homozygotes.

Submissions (3):

Ambry Genetics
Classification: Uncertain significance for Inborn genetic diseases. Last evaluated: 2025-11-26. Review status: criteria provided, single submitter. Criteria: Ambry Variant Classification Scheme 2023. Collection method: clinical testing. Allele origin: germline.

Labcorp Genetics (formerly Invitae), Labcorp
Classification: Uncertain significance. Last evaluated: 2022-07-19. Review status: criteria provided, single submitter. Criteria: Invitae Variant Classification Sherloc (09022015). Collection method: clinical testing. Allele origin: germline.
Comment: This sequence change replaces glycine, which is neutral and non-polar, with valine, which is neutral and non-polar, at codon 1204 of the WDR62 protein (p.Gly1204Val). This variant is present in population databases (rs587784559, gnomAD 0.01%). This variant has not been reported in the literature in individuals affected with WDR62-related conditions. ClinVar contains an entry for this variant (Variation ID: 160293). Algorithms developed to predict the effect of missense changes on protein structure and function output the following: SIFT: "Deleterious"; PolyPhen-2: "Benign"; Align-GVGD: "Class C0". The valine amino acid residue is found in multiple mammalian species, which suggests that this missense change does not adversely affect protein function. In summary, the available evidence is currently insufficient to determine the role of this variant in disease. Therefore, it has been classified as a Variant of Uncertain Significance.

Genetic Services Laboratory, University of Chicago
Classification: Uncertain significance for Microcephaly 2, primary, autosomal recessive, with or without cortical malformations. Last evaluated: 2013-10-04. Review status: criteria provided, single submitter. Criteria: ACMG Guidelines, 2007. Collection method: clinical testing. Allele origin: germline. Inheritance: Autosomal recessive inheritance.

NM_001083961.2(WDR62):c.3611G>T (p.Gly1204Val)

Gene: WDR62 (WD repeat domain 62; plus strand). Cytogenetic location: 19q13.12.
Variant type: single nucleotide variant.
Coding change: c.3611G>T on transcript NM_001083961.2 (MANE Select); coding-DNA position 3611, G replaced by T.
Protein change: p.Gly1204Val; replaces glycine 1204 with valine.
Molecular consequence: missense variant.
Genome position (GRCh38, 1-based): chr19:36,103,439, G>T. VCF-style: chr19-36103439-G-T. GRCh37 (hg19) VCF-style: chr19-36594341-G-T.
Other names: c.3596G>T, p.Gly1199Val (NM_173636.5); short protein forms G1204V, G1199V.
Identifiers: ClinVar variation 160293 (VCV000160293.8), dbSNP rs587784559, ClinGen allele CA272799.